The following is an entry in ClinVar:

ClinVar aggregate classification (germline): Pathogenic (1 of 4 stars; one submission).

Conditions:
Multiple endocrine neoplasia, type 1 (MEN1). Also called: MEN I; WERMER SYNDROME; Endocrine adenomatosis multiple; MEN 1; MEA I. Identifiers: Orphanet 652, MedGen C0025267, MeSH D018761, MONDO:0007540, OMIM 131100.

Submission:

Labcorp Genetics (formerly Invitae), Labcorp
Classification: Pathogenic for Multiple endocrine neoplasia, type 1. Last evaluated: 2016-08-24. Review status: criteria provided, single submitter. Criteria: Invitae Variant Classification Sherloc (09022015). Collection method: clinical testing. Allele origin: germline.
Comment: For these reasons, this variant has been classified as Pathogenic. While this particular variant has not been reported in the literature, loss-of-function variants in MEN1 are known to be pathogenic (PMID: 17853334, 12112656). This sequence change inserts 5 nucleotides in exon 2 of the MEN1 mRNA (c.280_284dupACCGC), causing a frameshift at codon 96. This creates a premature translational stop signal (p.Gln96Profs*25) and is expected to result in an absent or disrupted protein product.

Literature cited by the submitters: PubMed 17853334; PubMed 12112656.

NM_001370259.2(MEN1):c.280_284dup (p.Gln96fs)

Gene: MEN1 (menin 1; minus strand). Cytogenetic location: 11q13.1.
Variant type: Duplication.
Coding change: c.280_284dup on transcript NM_001370259.2 (MANE Select); coding-DNA positions 280 to 284, 5 bases duplicated (ACCGC; older notation c.280_284dupACCGC).
Protein change: p.Gln96fs; shifts the reading frame from glutamine 96.
Molecular consequence: frameshift variant.
Genome position (GRCh38, 1-based): chr11:64,809,826-64,809,830, GCGGT duplicated on the plus strand (ACCGC on the coding strand, the reverse complement: MEN1 is on the minus strand); duplicating any 5 consecutive bases within chr11:64,809,826-64,809,831 gives the same sequence; the c. name uses the placement nearest the transcript's 3' end. VCF-style (leftmost placement, unchanged base first): chr11-64809825-G-GGCGGT. GRCh37 (hg19) VCF-style: chr11-64577297-G-GGCGGT.
Other names: c.280_284dup, p.Gln96fs (NM_000244.4, NM_001370251.2, NM_001370260.2 and 9 more transcripts); c.280_284dupACCGC (NM_130799.2); short protein forms Q96fs.
Identifiers: ClinVar variation 403815 (VCV000403815.8), dbSNP rs1555166494, ClinGen allele CA16613482.